The following is an entry in ClinVar:

ClinVar aggregate classification (germline): Likely benign. Review status: criteria provided, multiple submitters, no conflicts (2 of 4 stars). 3 submissions from 3 submitters: Likely benign (2). 1 of the submissions does not count toward it. Last evaluated 2025-09-01.

Conditions:
POLD1-related disorder. Also called: POLD1-related condition; POLD1-related disorders.

Allele frequency attached by ClinVar (database versions not stated): ExAC 0.00002; gnomAD 0.00003; TOPMed 0.00005.
gnomAD v4.1: 36 of 1,612,460 alleles (0.0022%); highest among the groups gnomAD compares: African/African-American, 0.0053%; no homozygotes.

Submissions (3):

CeGaT Center for Human Genetics Tuebingen
Classification: Likely benign. Last evaluated: 2025-09-01. Review status: criteria provided, single submitter. Criteria: CeGaT Center For Human Genetics Tuebingen Variant Classification Criteria Version 2. Collection method: clinical testing. Allele origin: germline. Affected: yes. Observed: 2 variant alleles.
Comment: POLD1: BP4, BP7

Center for Genomic Medicine, Rigshospitalet, Copenhagen University Hospital
Classification: Likely benign. Last evaluated: 2025-03-04. Review status: criteria provided, single submitter. Criteria: ACMG Guidelines, 2015. Collection method: clinical testing. Allele origin: germline.

PreventionGenetics, part of Exact Sciences
Classification: Likely benign for POLD1-related condition. Last evaluated: 2019-12-11. Review status: no assertion criteria provided. Collection method: clinical testing. Allele origin: germline. Not counted in ClinVar's aggregate classification.
Comment: This variant is classified as likely benign based on ACMG/AMP sequence variant interpretation guidelines (Richards et al. 2015 PMID: 25741868, with internal and published modifications).

NM_002691.4(POLD1):c.1776-24C>T

Gene: POLD1 (DNA polymerase delta 1, catalytic subunit; plus strand). Cytogenetic location: 19q13.33.
Variant type: single nucleotide variant.
Coding change: c.1776-24C>T on transcript NM_002691.4 (MANE Select); 24 bases into the intron before coding-DNA position 1776, C replaced by T.
Molecular consequence: intron variant. On other transcripts: synonymous variant (1).
Genome position (GRCh38, 1-based): chr19:50,408,761, C>T. VCF-style: chr19-50408761-C-T. GRCh37 (hg19) VCF-style: chr19-50912018-C-T.
Other names: c.1830C>T, p.Pro610= (NM_001308632.1); c.1776-24C>T (NM_001256849.1).
Identifiers: ClinVar variation 3048397 (VCV003048397.19), dbSNP rs757790145, ClinGen allele CA9596274.
Genomic context (GRCh38, chr19:50,408,761, plus strand): 5'-TTAAAGGGTGAGGCCACAAGACAGGGCGGGGGCGGCATGGGAACTCCTAGCCCTGACTCC[C>T]GGCCGCGGCTGCTCCCCTCCCAGGTACTACGACGTCCCCATCGCCACCCTGGACTTCTCC-3'